The following is an entry in ClinVar:

NM_000287.4(PEX6):c.531del (p.Pro179fs)

Gene: PEX6 (peroxisomal biogenesis factor 6; minus strand). Cytogenetic location: 6p21.1.
Variant type: Deletion.
Coding change: c.531del on transcript NM_000287.4 (MANE Select); coding-DNA position 531, one base deleted (A; older notation c.531delA).
Protein change: p.Pro179fs; shifts the reading frame from proline 179.
Molecular consequence: frameshift variant. On other transcripts: non-coding transcript variant (1).
Genome position (GRCh38, 1-based): chr6:42,978,620, T deleted on the plus strand (A on the coding strand, the reverse complement: PEX6 is on the minus strand). VCF-style (leftmost placement, unchanged base first): chr6-42978619-GT-G. GRCh37 (hg19) VCF-style: chr6-42946357-GT-G.
Other names: c.531del, p.Pro179fs (NM_001316313.2); short protein forms P179fs.
Identifiers: ClinVar variation 1356707 (VCV001356707.7), dbSNP rs2150239870, ClinGen allele CA2573140786.
Genomic context (GRCh38, chr6:42,978,619, plus strand): 5'-GAACTCCCTGGAGTCGCCGCACTGTGCCAGAAACCGCAAAGGAGGACACCACGGGCGGGG[GT>G]GGGGGCCGACTGCTGTCCCCAGACTCTGGACACAGTCTGGCCCGCCCGCGGAGCTCAGTC-3'

ClinVar aggregate classification (germline): Pathogenic/Likely pathogenic. Review status: criteria provided, multiple submitters, no conflicts (2 of 4 stars). 2 submissions from 2 submitters: Pathogenic (1); Likely pathogenic (1). Last evaluated 2024-06-23.

Conditions:
Peroxisome biogenesis disorder 4A (Zellweger) (PBD4A). Also called: Zellweger syndrome spectrum (PEX6-related). Identifiers: Orphanet 912, MedGen C3553936, MONDO:0013930, OMIM 614862. Disease mechanism: loss of function.
Peroxisome biogenesis disorder 4B (PBD4B). Also called: SPINOCEREBELLAR ATAXIA WITH BLINDNESS AND DEAFNESS 1. Identifiers: Orphanet 44, Orphanet 95433, MedGen C3553937, MONDO:0013931, OMIM 614863.
Heimler syndrome 2 (HMLR2). Also called: PEROXISOME BIOGENESIS DISORDER 4C. Identifiers: Orphanet 3220, MedGen C4225267, OMIM 616617, MONDO:0014709.
Peroxisome biogenesis disorder. Identifiers: Orphanet 79189, MedGen C1832200, MONDO:0019234. Disease mechanism: loss of function.

Submissions (2):

Fulgent Genetics
Classification: Likely pathogenic for Peroxisome biogenesis disorder 4A (Zellweger); Peroxisome biogenesis disorder 4B; Heimler syndrome 2. Last evaluated: 2024-06-23. Review status: criteria provided, single submitter. Criteria: ACMG Guidelines, 2015. Collection method: clinical testing. Allele origin: germline.

Labcorp Genetics (formerly Invitae), Labcorp
Classification: Pathogenic for Peroxisome biogenesis disorder. Last evaluated: 2023-01-13. Review status: criteria provided, single submitter. Criteria: Invitae Variant Classification Sherloc (09022015). Collection method: clinical testing. Allele origin: germline.
Comment: This sequence change creates a premature translational stop signal (p.Pro179Argfs*27) in the PEX6 gene. It is expected to result in an absent or disrupted protein product. Loss-of-function variants in PEX6 are known to be pathogenic (PMID: 8670792, 19877282, 21031596). This variant is not present in population databases (gnomAD no frequency). This variant has not been reported in the literature in individuals affected with PEX6-related conditions. ClinVar contains an entry for this variant (Variation ID: 1356707). For these reasons, this variant has been classified as Pathogenic.

Literature cited by the submitters: PubMed 8670792 (cited by Labcorp Genetics (formerly Invitae), Labcorp); PubMed 19877282 (cited by Labcorp Genetics (formerly Invitae), Labcorp); PubMed 21031596 (cited by Labcorp Genetics (formerly Invitae), Labcorp).